The following is an entry in ClinVar:

NM_000136.3(FANCC):c.362T>C (p.Ile121Thr)

Gene: FANCC (FA complementation group C; minus strand). Cytogenetic location: 9q22.32.
Variant type: single nucleotide variant.
Coding change: c.362T>C on transcript NM_000136.3 (MANE Select); coding-DNA position 362, T replaced by C.
Protein change: p.Ile121Thr; replaces isoleucine 121 with threonine.
Molecular consequence: missense variant.
Genome position (GRCh38, 1-based): chr9:95,172,131, A>G on the plus strand (T>C on the coding strand, the complement: FANCC is on the minus strand). VCF-style: chr9-95172131-A-G. GRCh37 (hg19) VCF-style: chr9-97934413-A-G.
Other names: c.362T>C, p.Ile121Thr (NM_001243743.2, NM_001243744.2); short protein forms I121T.
Identifiers: ClinVar variation 2562115 (VCV002562115.3), dbSNP rs745921537, ClinGen allele CA5137753.

ClinVar aggregate classification (germline): Uncertain significance (1 of 4 stars; one submission).

Conditions:
Hereditary cancer-predisposing syndrome. Also called: Neoplastic Syndromes, Hereditary; Hereditary Cancer Syndrome; Hereditary neoplastic syndrome; Tumor predisposition. Identifiers: Orphanet 140162, MedGen C0027672, MeSH D009386, MONDO:0015356.

Allele frequency attached by ClinVar (database versions not stated): gnomAD exomes below 0.00001; ExAC 0.00002.
gnomAD v4.1: 2 of 1,608,830 alleles (0.00012%); highest among the groups gnomAD compares: Non-Finnish European, 0.00017%; no homozygotes.

Submission:

Ambry Genetics
Classification: Uncertain significance for Hereditary cancer-predisposing syndrome. Last evaluated: 2025-05-31. Review status: criteria provided, single submitter. Criteria: Ambry Variant Classification Scheme 2023. Collection method: clinical testing. Allele origin: germline.
Comment: The p.I121T variant (also known as c.362T>C), located in coding exon 4 of the FANCC gene, results from a T to C substitution at nucleotide position 362. The isoleucine at codon 121 is replaced by threonine, an amino acid with similar properties. This amino acid position is conserved. In addition, this alteration is predicted to be tolerated by in silico analysis. Since supporting evidence is limited at this time, the clinical significance of this alteration remains unclear.